The following is an entry in ClinVar:

NM_000141.5(FGFR2):c.1239G>A (p.Pro413=)

Gene: FGFR2 (fibroblast growth factor receptor 2; minus strand). Cytogenetic location: 10q26.13.
Variant type: single nucleotide variant.
Coding change: c.1239G>A on transcript NM_000141.5 (MANE Select); coding-DNA position 1239, G replaced by A.
Protein change: p.Pro413=; no amino-acid change (proline 413 retained).
Molecular consequence: synonymous variant. On other transcripts: non-coding transcript variant (1), intron variant (1).
Genome position (GRCh38, 1-based): chr10:121,515,165, C>T on the plus strand (G>A on the coding strand, the complement: FGFR2 is on the minus strand). VCF-style: chr10-121515165-C-T. GRCh37 (hg19) VCF-style: chr10-123274679-C-T.
Other names: c.1242G>A, p.Pro414= (NM_001144913.1, NM_022970.4); c.903G>A, p.Pro301= (NM_001144914.1); c.972G>A, p.Pro324= (NM_001144915.2, NM_023029.3); c.894G>A, p.Pro298= (NM_001144916.2, NM_001144918.2); c.975G>A, p.Pro325= (NM_001144919.2); c.555G>A, p.Pro185= (NM_001320654.2); c.1239G>A, p.Pro413= (NM_001320658.2); c.939+4814G>A (NM_001144917.2).
Identifiers: ClinVar variation 299003 (VCV000299003.15), dbSNP rs147674677, ClinGen allele CA5720812.

ClinVar aggregate classification (germline): Conflicting classifications of pathogenicity. Review status: criteria provided, conflicting classifications (1 of 4 stars). 7 submissions from 3 submitters: Uncertain significance (1); Likely benign (5). 1 of the submissions does not count toward it. Last evaluated 2024-03-18.

Conditions:
Saethre-Chotzen syndrome (SCS). Also called: ACROCEPHALY, SKULL ASYMMETRY, AND MILD SYNDACTYLY; ACS III; CHOTZEN SYNDROME. Identifiers: Orphanet 794, MedGen C0175699, MONDO:0007042, OMIM 101400.
FGFR2-related craniosynostosis. Identifiers: MedGen CN231480.
Craniosynostosis syndrome. Also called: Craniosynostosis. Identifiers: Orphanet 1531, MedGen C0010278, MeSH D003398, MONDO:0015469, HP:0001363.
Isolated Coronal Synostosis. Identifiers: MedGen CN043619.
Crouzon syndrome. Also called: CRANIOFACIAL DYSOSTOSIS, TYPE I; Craniofacial dysostosis; Craniofacial dysostosis type 1; Crouzon craniofacial dysostosis; Crouzon disease. Identifiers: Orphanet 207, MedGen C0010273, MeSH D003394, MONDO:0007405, OMIM 123500, HP:0004439.
FGFR2-related disorder. Identifiers: MedGen CN380096.
Beare-Stevenson cutis gyrata syndrome (BSTVS). Identifiers: Orphanet 1555, MedGen C1852406, MONDO:0007412, OMIM 123790.

Allele frequency attached by ClinVar (database versions not stated): gnomAD 0.00001 and 0.00003; TOPMed 0.00002; gnomAD exomes 0.00004 and 0.00006; ExAC 0.00009; 1000 Genomes Project 30x 0.00047; 1000 Genomes Project 0.00060.
gnomAD v4.1: 61 of 1,614,150 alleles (0.0038%); highest among the groups gnomAD compares: East Asian, 0.022%; no homozygotes.

Submissions (7):

Labcorp Genetics (formerly Invitae), Labcorp
Classification: Likely benign for FGFR2-related craniosynostosis. Last evaluated: 2024-03-18. Review status: criteria provided, single submitter. Criteria: Invitae Variant Classification Sherloc (09022015). Collection method: clinical testing. Allele origin: germline.

Illumina Laboratory Services, Illumina
Classification: Likely benign for Craniosynostosis. Last evaluated: 2018-01-12. Review status: criteria provided, single submitter. Criteria: ICSL Variant Classification Criteria 13 December 2019. Collection method: clinical testing. Allele origin: germline.
Comment: This variant was observed in the ICSL laboratory as part of a predisposition screen in an ostensibly healthy population. It had not been previously curated by ICSL or reported in the Human Gene Mutation Database (HGMD: prior to June 1st, 2018), and was therefore a candidate for classification through an automated scoring system. Utilizing variant allele frequency, disease prevalence and penetrance estimates, and inheritance mode, an automated score was calculated to assess if this variant is too frequent to cause the disease. Based on the score and internal cut-off values, a variant classified as likely benign is not then subjected to further curation. The score for this variant resulted in a classification of likely benign for this disease.

Illumina Laboratory Services, Illumina
Classification: Uncertain significance for Isolated coronal synostosis. Last evaluated: 2018-01-12. Review status: criteria provided, single submitter. Criteria: ICSL Variant Classification Criteria 13 December 2019. Collection method: clinical testing. Allele origin: germline.

Illumina Laboratory Services, Illumina
Classification: Likely benign for Crouzon syndrome. Last evaluated: 2018-01-12. Review status: criteria provided, single submitter. Criteria: ICSL Variant Classification Criteria 13 December 2019. Collection method: clinical testing. Allele origin: germline.
Comment: the same text as in the submission from Illumina Laboratory Services, Illumina above.

Illumina Laboratory Services, Illumina
Classification: Likely benign for Saethre-Chotzen syndrome. Last evaluated: 2018-01-12. Review status: criteria provided, single submitter. Criteria: ICSL Variant Classification Criteria 13 December 2019. Collection method: clinical testing. Allele origin: germline.
Comment: the same text as in the submission from Illumina Laboratory Services, Illumina above.

Illumina Laboratory Services, Illumina
Classification: Likely benign for Beare-Stevenson cutis gyrata syndrome. Last evaluated: 2018-01-12. Review status: criteria provided, single submitter. Criteria: ICSL Variant Classification Criteria 13 December 2019. Collection method: clinical testing. Allele origin: germline.
Comment: the same text as in the submission from Illumina Laboratory Services, Illumina above.

PreventionGenetics, part of Exact Sciences
Classification: Likely benign for FGFR2-related condition. Last evaluated: 2020-01-27. Review status: no assertion criteria provided. Collection method: clinical testing. Allele origin: germline. Not counted in ClinVar's aggregate classification.
Comment: This variant is classified as likely benign based on ACMG/AMP sequence variant interpretation guidelines (Richards et al. 2015 PMID: 25741868, with internal and published modifications).